The following is an entry in ClinVar:

NM_014363.6(SACS):c.6965dup (p.Tyr2322Ter)

Gene: SACS (sacsin molecular chaperone; minus strand). Cytogenetic location: 13q12.12.
Variant type: Duplication.
Coding change: c.6965dup on transcript NM_014363.6 (MANE Select); coding-DNA position 6965, one base duplicated (A; older notation c.6965dupA).
Protein change: p.Tyr2322Ter; replaces tyrosine 2322 with a stop codon.
Molecular consequence: nonsense.
Genome position (GRCh38, 1-based): chr13:23,336,911, T duplicated on the plus strand (A on the coding strand, the reverse complement: SACS is on the minus strand). VCF-style (leftmost placement, unchanged base first): chr13-23336910-G-GT. GRCh37 (hg19) VCF-style: chr13-23911049-G-GT.
Other names: c.6524dup, p.Tyr2175Ter (NM_001278055.2); c.6992dup, p.Tyr2331Ter (NM_001437336.1); short protein forms Y2175*, Y2331*, Y2322*.
Identifiers: ClinVar variation 4919388 (VCV004919388.2).
Genomic context (GRCh38, chr13:23,336,910, plus strand): 5'-TTTTAACTTATCAATAATTGACATCTTAGTGATTTCATTTTGCATCAAGGCTTCATGAAG[G>GT]TATTTGTAGCAAGCATTGGTGATATTCTCCTGGTACAGTGTAATTCCATCATCAACTGAT-3'

ClinVar aggregate classification (germline): Pathogenic/Likely pathogenic. Review status: criteria provided, multiple submitters, no conflicts (2 of 4 stars). 2 submissions from 2 submitters: Pathogenic (1); Likely pathogenic (1). Last evaluated 2026-03-31.

Conditions:
SACS-related disorder. Also called: SACS-related condition.
Charlevoix-Saguenay spastic ataxia (SACS). Also called: SPASTIC ATAXIA 6, AUTOSOMAL RECESSIVE; AUTOSOMAL RECESSIVE SPASTIC ATAXIA OF CHARLEVOIX-SAGUENAY; Spastic ataxia of Charlevoix-Saguenay. Identifiers: Orphanet 98, MedGen C1849140, MONDO:0010041, OMIM 270550.

Submissions (2):

Myriad Genetics, Inc.
Classification: Pathogenic for Charlevoix-Saguenay spastic ataxia. Last evaluated: 2026-03-31. Review status: criteria provided, single submitter. Criteria: Myriad Autosomal Dominant, Autosomal Recessive and X-Linked Classification Criteria (2023). Collection method: clinical testing. Allele origin: unknown.
Comment: NM_014363.4(SACS):c.6965dupA(Y2322*) is a nonsense variant classified as pathogenic in the context of autosomal recessive spastic ataxia of Charlevoix-Saguenay. Y2322* has not been observed in cases with relevant disease. Relevant functional assessments of this variant are not available in the literature. Y2322* has not been observed in referenced population frequency databases. In summary, NM_014363.4(SACS):c.6965dupA(Y2322*) is a nonsense variant in a gene where loss of function is a known mechanism of disease and is predicted to disrupt protein function. Please note: this variant was assessed in the context of healthy population screening.

Blueprint Genetics
Classification: Likely pathogenic for SACS-related disorders. Last evaluated: 2021-09-07. Review status: criteria provided, single submitter. Criteria: ACMG Guidelines, 2015. Collection method: clinical testing. Allele origin: germline. Affected: yes. Observed: 4 variant alleles.